The following is an entry in ClinVar:

NM_032608.7(MYO18B):c.4084C>T (p.Arg1362Cys)

Gene: MYO18B (myosin XVIIIB; plus strand). Cytogenetic location: 22q12.1.
Variant type: single nucleotide variant.
Coding change: c.4084C>T on transcript NM_032608.7 (MANE Select); coding-DNA position 4084, C replaced by T.
Protein change: p.Arg1362Cys; replaces arginine 1362 with cysteine.
Molecular consequence: missense variant.
Genome position (GRCh38, 1-based): chr22:25,876,192, C>T. VCF-style: chr22-25876192-C-T. GRCh37 (hg19) VCF-style: chr22-26272159-C-T.
Other names: c.4087C>T, p.Arg1363Cys (NM_001318245.2); short protein forms R1362C, R1363C.
Identifiers: ClinVar variation 4752706 (VCV004752706.1).
Genomic context (GRCh38, chr22:25,876,192, plus strand): 5'-CTTTATCCTCACCTGGGTTGGAAAGGACCCTCCAGTCTGTGTTCTCCTTCCCTGCAGATT[C>T]GCCGACTGGCTGCACAGTGCATCCAGAAGAATGTGGCTGTGTTCCTCGCAGTCAAGGACT-3'
Protein context (NP_115997.5, residues 1352-1372): SRQEFKKLKI[Arg1362Cys]RLAAQCIQKN

ClinVar aggregate classification (germline): Uncertain significance (1 of 4 stars; one submission).

gnomAD v4.1: 28 of 1,609,684 alleles (0.0017%); highest among the groups gnomAD compares: East Asian, 0.0022%; no homozygotes.

Submission:

Labcorp Genetics (formerly Invitae), Labcorp
Classification: Uncertain significance. Last evaluated: 2025-04-17. Review status: criteria provided, single submitter. Criteria: Invitae Variant Classification Sherloc (09022015). Collection method: clinical testing. Allele origin: germline.
Comment: This sequence change replaces arginine, which is basic and polar, with cysteine, which is neutral and slightly polar, at codon 1362 of the MYO18B protein (p.Arg1362Cys). The frequency data for this variant in the population databases is considered unreliable, as metrics indicate poor data quality at this position in the gnomAD database. This variant has not been reported in the literature in individuals affected with MYO18B-related conditions. An algorithm developed to predict the effect of missense changes on protein structure and function (PolyPhen-2) suggests that this variant is likely to be disruptive. In summary, the available evidence is currently insufficient to determine the role of this variant in disease. Therefore, it has been classified as a Variant of Uncertain Significance.